The following is an entry in ClinVar:

NM_004370.6(COL12A1):c.7783G>C (p.Ala2595Pro)

Gene: COL12A1 (collagen type XII alpha 1 chain; minus strand). Cytogenetic location: 6q13.
Variant type: single nucleotide variant.
Coding change: c.7783G>C on transcript NM_004370.6 (MANE Select); coding-DNA position 7783, G replaced by C.
Protein change: p.Ala2595Pro; replaces alanine 2595 with proline.
Molecular consequence: missense variant.
Genome position (GRCh38, 1-based): chr6:75,113,659, C>G on the plus strand (G>C on the coding strand, the complement: COL12A1 is on the minus strand). VCF-style: chr6-75113659-C-G. GRCh37 (hg19) VCF-style: chr6-75823375-C-G.
Other names: c.4291G>C, p.Ala1431Pro (NM_080645.3); short protein forms A1431P, A2595P.
Identifiers: ClinVar variation 1969205 (VCV001969205.5), dbSNP rs2533168100, ClinGen allele CA364744298.

ClinVar aggregate classification (germline): Uncertain significance (1 of 4 stars; one submission).

Conditions:
Ullrich congenital muscular dystrophy 2 (UCMD2). Identifiers: Orphanet 75840, MedGen C4225314, MONDO:0014654, OMIM 616470.
Bethlem myopathy 2 (BTHLM2). Identifiers: Orphanet 536516, Orphanet 610, MedGen C4225313, MONDO:0034022, OMIM 616471.

Submission:

Labcorp Genetics (formerly Invitae), Labcorp
Classification: Uncertain significance for Bethlem myopathy 2; Ullrich congenital muscular dystrophy 2. Last evaluated: 2022-05-05. Review status: criteria provided, single submitter. Criteria: Invitae Variant Classification Sherloc (09022015). Collection method: clinical testing. Allele origin: germline.
Comment: This variant is not present in population databases (gnomAD no frequency). This sequence change replaces alanine, which is neutral and non-polar, with proline, which is neutral and non-polar, at codon 2595 of the COL12A1 protein (p.Ala2595Pro). This variant has not been reported in the literature in individuals affected with COL12A1-related conditions. In summary, the available evidence is currently insufficient to determine the role of this variant in disease. Therefore, it has been classified as a Variant of Uncertain Significance. Algorithms developed to predict the effect of missense changes on protein structure and function are either unavailable or do not agree on the potential impact of this missense change (SIFT: "Deleterious"; PolyPhen-2: "Probably Damaging"; Align-GVGD: "Class C0").